The following is an entry in ClinVar:

NM_000048.4(ASL):c.688A>G (p.Met230Val)

Gene: ASL (argininosuccinate lyase; plus strand). Cytogenetic location: 7q11.21.
Variant type: single nucleotide variant.
Coding change: c.688A>G on transcript NM_000048.4 (MANE Select); coding-DNA position 688, A replaced by G.
Protein change: p.Met230Val; replaces methionine 230 with valine.
Molecular consequence: missense variant.
Genome position (GRCh38, 1-based): chr7:66,087,761, A>G. VCF-style: chr7-66087761-A-G. GRCh37 (hg19) VCF-style: chr7-65552748-A-G.
Other names: c.688A>G, p.Met230Val (NM_001024943.2, NM_001024944.2); c.610A>G, p.Met204Val (NM_001024946.2); short protein forms M230V, M204V.
Identifiers: ClinVar variation 1465183 (VCV001465183.12), dbSNP rs143957662, ClinGen allele CA312327.

ClinVar aggregate classification (germline): Conflicting classifications of pathogenicity. Review status: criteria provided, conflicting classifications (1 of 4 stars). 4 submissions from 4 submitters: Pathogenic (1); Likely pathogenic (2); Uncertain significance (1). Last evaluated 2026-05-28.

Conditions:
Argininosuccinate lyase deficiency. Also called: ARGININOSUCCINIC ACID LYASE DEFICIENCY; ASL DEFICIENCY; Argininosuccinic aciduria. Identifiers: Orphanet 23, MedGen C0268547, MONDO:0008815, OMIM 207900, HP:0025630.

Allele frequency attached by ClinVar (database versions not stated): ExAC 0.00002; gnomAD exomes 0.00002 and 0.00007; TOPMed 0.00003; gnomAD 0.00005 and 0.00006; ESP Exome Variant Server 0.00015; 1000 Genomes Project 30x 0.00016; 1000 Genomes Project 0.00020.
gnomAD v4.1: 100 of 1,614,136 alleles (0.0062%); highest among the groups gnomAD compares: Non-Finnish European, 0.0083%; no homozygotes.

Submissions (4):

Myriad Genetics, Inc.
Classification: Uncertain significance for Argininosuccinate lyase deficiency. Last evaluated: 2026-05-28. Review status: criteria provided, single submitter. Criteria: Myriad Autosomal Dominant, Autosomal Recessive and X-Linked Classification Criteria (2023). Collection method: clinical testing. Allele origin: unknown.
Comment: NM_001024943.1(ASL):c.688A>G(M230V) is a missense variant classified as a variant of uncertain significance in the context of argininosuccinic aciduria. M230V has not been observed in cases with relevant disease. Relevant functional assessments of this variant are not available in the literature. M230V has been observed in referenced population frequency databases. In summary, there is insufficient evidence to classify NM_001024943.1(ASL):c.688A>G(M230V) as pathogenic or benign. Please note: this variant was assessed in the context of healthy population screening.

Labcorp Genetics (formerly Invitae), Labcorp
Classification: Pathogenic for Argininosuccinate lyase deficiency. Last evaluated: 2026-01-19. Review status: criteria provided, single submitter. Criteria: Invitae Variant Classification Sherloc (09022015). Collection method: clinical testing. Allele origin: germline.
Comment: This sequence change replaces methionine, which is neutral and non-polar, with valine, which is neutral and non-polar, at codon 230 of the ASL protein (p.Met230Val). This variant is present in population databases (rs143957662, gnomAD 0.006%). This missense change has been observed in individual(s) with argininosuccinate lyase deficiency (internal data). ClinVar contains an entry for this variant (Variation ID: 1465183). Invitae Evidence Modeling of protein sequence and biophysical properties (such as structural, functional, and spatial information, amino acid conservation, physicochemical variation, residue mobility, and thermodynamic stability) indicates that this missense variant is expected to disrupt ASL protein function with a positive predictive value of 95%. This variant disrupts the p.Met230 amino acid residue in ASL. Other variant(s) that disrupt this residue have been determined to be pathogenic (internal data). This suggests that this residue is clinically significant, and that variants that disrupt this residue are likely to be disease-causing. For these reasons, this variant has been classified as Pathogenic.

Women's Health and Genetics/Laboratory Corporation of America, LabCorp
Classification: Likely pathogenic for Argininosuccinate lyase deficiency. Last evaluated: 2025-08-15. Review status: criteria provided, single submitter. Criteria: LabCorp Variant Classification Summary - May 2015. Collection method: clinical testing. Allele origin: germline.
Comment: Variant summary: ASL c.688A>G (p.Met230Val) results in a conservative amino acid change located in the Fumarate lyase, N-terminal domain (IPR022761) of the encoded protein sequence. Algorithms developed to predict the effect of missense changes on protein structure and function are either unavailable or do not agree on the potential impact of this missense change. The variant allele was found at a frequency of 2e-05 in 251338 control chromosomes. The available data on variant occurrences in the general population are insufficient to allow any conclusion about variant significance. These data do not allow any conclusion about variant significance. A different amino acid change in the same codon has been reported in our internal case(s) (LCG internal data). To our knowledge, no experimental evidence demonstrating an impact on protein function has been reported. ClinVar contains an entry for this variant (Variation ID: 1465183). Based on the evidence outlined above, the variant was classified as likely pathogenic.

Fulgent Genetics
Classification: Likely pathogenic for Argininosuccinate lyase deficiency. Last evaluated: 2024-06-17. Review status: criteria provided, single submitter. Criteria: ACMG Guidelines, 2015. Collection method: clinical testing. Allele origin: germline.